The following is an entry in ClinVar:

ClinVar aggregate classification (germline): Uncertain significance (1 of 4 stars; one submission).

Allele frequency attached by ClinVar (database versions not stated): ExAC 0.00001; gnomAD 0.00001; gnomAD exomes 0.00001; 1000 Genomes Project 30x 0.00016; 1000 Genomes Project 0.00020.

Submission:

Labcorp Genetics (formerly Invitae), Labcorp
Classification: Uncertain significance. Last evaluated: 2023-06-16. Review status: criteria provided, single submitter. Criteria: Invitae Variant Classification Sherloc (09022015). Collection method: clinical testing. Allele origin: germline.
Comment: This sequence change replaces arginine, which is basic and polar, with tryptophan, which is neutral and slightly polar, at codon 248 of the DLL4 protein (p.Arg248Trp). In summary, the available evidence is currently insufficient to determine the role of this variant in disease. Therefore, it has been classified as a Variant of Uncertain Significance. Advanced modeling of protein sequence and biophysical properties (such as structural, functional, and spatial information, amino acid conservation, physicochemical variation, residue mobility, and thermodynamic stability) performed at Invitae indicates that this missense variant is not expected to disrupt DLL4 protein function. ClinVar contains an entry for this variant (Variation ID: 1499019). This variant has not been reported in the literature in individuals affected with DLL4-related conditions. This variant is present in population databases (rs540364384, gnomAD 0.006%).

NM_019074.4(DLL4):c.742C>T (p.Arg248Trp)

Gene: DLL4 (delta like canonical Notch ligand 4; plus strand). Cytogenetic location: 15q15.1.
Variant type: single nucleotide variant.
Coding change: c.742C>T on transcript NM_019074.4 (MANE Select); coding-DNA position 742, C replaced by T.
Protein change: p.Arg248Trp; replaces arginine 248 with tryptophan.
Molecular consequence: missense variant.
Genome position (GRCh38, 1-based): chr15:40,932,339, C>T. VCF-style: chr15-40932339-C-T. GRCh37 (hg19) VCF-style: chr15-41224537-C-T.
Other names: short protein forms R248W.
Identifiers: ClinVar variation 1499019 (VCV001499019.6), dbSNP rs540364384, ClinGen allele CA7487765.